The following is an entry in ClinVar:

NM_021629.4(GNB4):c.919G>T (p.Val307Phe)

Gene: GNB4 (G protein subunit beta 4; minus strand). Cytogenetic location: 3q26.33.
Variant type: single nucleotide variant.
Coding change: c.919G>T on transcript NM_021629.4 (MANE Select); coding-DNA position 919, G replaced by T.
Protein change: p.Val307Phe; replaces valine 307 with phenylalanine.
Molecular consequence: missense variant.
Genome position (GRCh38, 1-based): chr3:179,401,317, C>A on the plus strand (G>T on the coding strand, the complement: GNB4 is on the minus strand). VCF-style: chr3-179401317-C-A. GRCh37 (hg19) VCF-style: chr3-179119105-C-A.
Other names: short protein forms V307F.
Identifiers: ClinVar variation 1935574 (VCV001935574.5), dbSNP rs1351274064, ClinGen allele CA355293354.
Genomic context (GRCh38, chr3:179,401,317, plus strand): 5'-CAGCCATGCCATCATCAGTTACACCTAAGCAGCTCACACGGTTGTCATGACCAGCAAGGA[C>A]ACCTGAAAAAAAAATTCAGTAAAAAATTGGCAATTGTAGGGTTTTAGAATTAAACAAGTA-3'
Protein context (NP_067642.1, residues 297-317): WDTLKGDRAG[Val307Phe]LAGHDNRVSC

ClinVar aggregate classification (germline): Uncertain significance (1 of 4 stars; one submission).

Conditions:
Charcot-Marie-Tooth disease dominant intermediate F. Identifiers: Orphanet 352670, MedGen C4749463, MONDO:0014074, OMIM 615185.

gnomAD v4.1: 3 of 1,600,932 alleles (0.00019%); highest among the groups gnomAD compares: Admixed American, 0.0017%; no homozygotes.

Submission:

Labcorp Genetics (formerly Invitae), Labcorp
Classification: Uncertain significance for Charcot-Marie-Tooth disease dominant intermediate F. Last evaluated: 2022-05-12. Review status: criteria provided, single submitter. Criteria: Invitae Variant Classification Sherloc (09022015). Collection method: clinical testing. Allele origin: germline.
Comment: In summary, the available evidence is currently insufficient to determine the role of this variant in disease. Therefore, it has been classified as a Variant of Uncertain Significance. Algorithms developed to predict the effect of missense changes on protein structure and function are either unavailable or do not agree on the potential impact of this missense change (SIFT: "Deleterious"; PolyPhen-2: "Possibly Damaging"; Align-GVGD: "Class C0"). This variant has not been reported in the literature in individuals affected with GNB4-related conditions. This variant is not present in population databases (gnomAD no frequency). This sequence change replaces valine, which is neutral and non-polar, with phenylalanine, which is neutral and non-polar, at codon 307 of the GNB4 protein (p.Val307Phe).